The following is an entry in ClinVar:

ClinVar aggregate classification (germline): Pathogenic, low penetrance (1 of 4 stars; one submission).

Conditions:
Atypical hemolytic-uremic syndrome. Identifiers: Orphanet 2134, MedGen C2931788, MONDO:0016244.

Submission:

Genomenon, Inc
Classification: Pathogenic, low penetrance for Atypical hemolytic-uremic syndrome. Last evaluated: 2025-10-02. Review status: criteria provided, single submitter. Criteria: Genomenon Sequence Variant Interpretation Standards - Updated. Collection method: curation. Allele origin: germline. Affected: yes.
Comment: CFH p.Trp369Ter (c.1106G>A) is a nonsense variant that introduces a premature stop codon at amino acid position 369, creating a truncated protein that is predicted to undergo nonsense-mediated mRNA decay. This variant has been observed in at least one proband affected with atypical hemolytic-uremic syndrome (PMID:32543063). It is absent or not present at a significant frequency in gnomAD. In conclusion, we classify CFH p.Trp369Ter (c.1106G>A) as a pathogenic, low penetrance variant.

Literature cited by the submitters: PubMed 32543063.

NM_000186.4(CFH):c.1106G>A (p.Trp369Ter)

Gene: CFH (complement factor H; plus strand). Cytogenetic location: 1q31.3.
Variant type: single nucleotide variant.
Coding change: c.1106G>A on transcript NM_000186.4 (MANE Select); coding-DNA position 1106, G replaced by A.
Protein change: p.Trp369Ter; replaces tryptophan 369 with a stop codon.
Molecular consequence: nonsense.
Genome position (GRCh38, 1-based): chr1:196,689,561, G>A. VCF-style: chr1-196689561-G-A. GRCh37 (hg19) VCF-style: chr1-196658691-G-A.
Other names: c.1106G>A, p.Trp369Ter (NM_001014975.3); short protein forms W369*.
Identifiers: ClinVar variation 4291653 (VCV004291653.1).